The following is an entry in ClinVar:

ClinVar aggregate classification (germline): Uncertain significance (1 of 4 stars; one submission).

Conditions:
Hyperekplexia 3 (HKPX3). Also called: HYPEREKPLEXIA 3, AUTOSOMAL RECESSIVE; HYPEREKPLEXIA 3, AUTOSOMAL DOMINANT. Identifiers: Orphanet 3197, MedGen C3553288, MONDO:0013827, OMIM 614618.

Submission:

Labcorp Genetics (formerly Invitae), Labcorp
Classification: Uncertain significance for Hyperekplexia 3. Last evaluated: 2022-11-08. Review status: criteria provided, single submitter. Criteria: Invitae Variant Classification Sherloc (09022015). Collection method: clinical testing. Allele origin: germline.
Comment: This sequence change replaces asparagine, which is neutral and polar, with histidine, which is basic and polar, at codon 10 of the SLC6A5 protein (p.Asn10His). This variant is not present in population databases (gnomAD no frequency). This variant has not been reported in the literature in individuals affected with SLC6A5-related conditions. Advanced modeling of protein sequence and biophysical properties (such as structural, functional, and spatial information, amino acid conservation, physicochemical variation, residue mobility, and thermodynamic stability) performed at Invitae indicates that this missense variant is not expected to disrupt SLC6A5 protein function. In summary, the available evidence is currently insufficient to determine the role of this variant in disease. Therefore, it has been classified as a Variant of Uncertain Significance.

NM_004211.5(SLC6A5):c.28A>C (p.Asn10His)

Gene: SLC6A5 (solute carrier family 6 member 5; plus strand). Cytogenetic location: 11p15.1.
Variant type: single nucleotide variant.
Coding change: c.28A>C on transcript NM_004211.5 (MANE Select); coding-DNA position 28, A replaced by C.
Protein change: p.Asn10His; replaces asparagine 10 with histidine.
Molecular consequence: missense variant. On other transcripts: 5 prime UTR variant (1).
Genome position (GRCh38, 1-based): chr11:20,601,153, A>C. VCF-style: chr11-20601153-A-C. GRCh37 (hg19) VCF-style: chr11-20622699-A-C.
Other names: c.-536A>C (NM_001318369.2); short protein forms N10H.
Identifiers: ClinVar variation 2104870 (VCV002104870.3), dbSNP rs1432862969, ClinGen allele CA379910516.